The following is an entry in ClinVar:

ClinVar aggregate classification (germline): Pathogenic/Likely pathogenic. Review status: criteria provided, multiple submitters, no conflicts (2 of 4 stars). 3 submissions from 3 submitters: Pathogenic (2); Likely pathogenic (1). Last evaluated 2025-09-10.

Conditions:
Primary ciliary dyskinesia. Also called: Ciliary dyskinesia. Identifiers: Orphanet 244, MedGen C0008780, MONDO:0016575, HP:0012265.
Primary ciliary dyskinesia 7. Also called: CILIARY DYSKINESIA, PRIMARY, 7, WITH OR WITHOUT SITUS INVERSUS. Identifiers: Orphanet 244, MedGen C2678473, MONDO:0012748, OMIM 611884.

Allele frequency attached by ClinVar (database versions not stated): ExAC 0.00001; TOPMed 0.00001; gnomAD 0.00002.
gnomAD v4.1: 8 of 1,613,838 alleles (0.0005%); highest among the groups gnomAD compares: Non-Finnish European, 0.00025%; no homozygotes.

Submissions (3):

Labcorp Genetics (formerly Invitae), Labcorp
Classification: Pathogenic for Primary ciliary dyskinesia. Last evaluated: 2025-09-10. Review status: criteria provided, single submitter. Criteria: Invitae Variant Classification Sherloc (09022015). Collection method: clinical testing. Allele origin: germline.
Comment: This sequence change creates a premature translational stop signal (p.Glu3977*) in the DNAH11 gene. It is expected to result in an absent or disrupted protein product. Loss-of-function variants in DNAH11 are known to be pathogenic (PMID: 18022865, 20513915, 22184204). This variant is present in population databases (rs72658817, gnomAD 0.02%). This premature translational stop signal has been observed in individual(s) with primary ciliary dyskinesia (PMID: 22184204). ClinVar contains an entry for this variant (Variation ID: 1745170). Algorithms developed to predict the effect of sequence changes on RNA splicing suggest that this variant may disrupt the consensus splice site. For these reasons, this variant has been classified as Pathogenic.

Broad Center for Mendelian Genomics, Broad Institute of MIT and Harvard
Classification: Likely pathogenic for Primary ciliary dyskinesia 7. Last evaluated: 2025-02-20. Review status: criteria provided, single submitter. Criteria: ACMG Guidelines, 2015. Collection method: curation. Allele origin: germline. Inheritance: Autosomal recessive inheritance.
Comment: The p.Glu3977Ter variant in DNAH11 has been reported, in the compound heterozygous state, in 1 individual with primary ciliary dyskinesia (PMID: 22184204), and has been identified in 0.02% (5/29604) of Ashkenazi Jewish chromosomes by the Genome Aggregation Database (gnomAD; dbSNP rs72658817). Although this variant has been seen in the general population in a heterozygous state, its frequency is not high enough to rule out a pathogenic role. This variant has also been reported in ClinVar (Variation ID: 1745170) and has been interpreted as pathogenic by Ambry Genetics. This nonsense variant leads to a premature termination codon at position 3977, which is predicted to lead to a truncated or absent protein. Loss of function of the DNAH11 gene is an established disease mechanism in autosomal recessive primary ciliary dyskinesia. In summary, although additional studies are required to fully establish its clinical significance, this variant is likely pathogenic for autosomal recessive primary ciliary dyskinesia. ACMG/AMP Criteria applied: PVS1, PM3 (Richards 2015).

Ambry Genetics
Classification: Pathogenic for Primary ciliary dyskinesia. Last evaluated: 2016-04-18. Review status: criteria provided, single submitter. Criteria: Ambry Variant Classification Scheme 2023. Collection method: clinical testing. Allele origin: germline.
Comment: The p.E3977* pathogenic mutation (also known as c.11929G>T), located in coding exon 73 of the DNAH11 gene, results from a G to T substitution at nucleotide position 11929. This changes the amino acid from a glutamic acid to a stop codon within coding exon 73. This pathogenic mutation was detected in an individual with primary ciliary dyskinesia and another pathogenic mutation in trans (Knowles MR, Thorax 2012 May; 67(5):433-41). In addition to the clinical data presented in the literature, since premature stop codons are typically deleterious in nature, this alteration is interpreted as a disease-causing mutation (ACMG Recommendations for Standards for Interpretation and Reporting of Sequence Variations. Revision 2007. Genet Med. 2008;10:294).

Literature cited by the submitters: PubMed 18022865 (cited by Labcorp Genetics (formerly Invitae), Labcorp); PubMed 20513915 (cited by Labcorp Genetics (formerly Invitae), Labcorp); PubMed 22184204 (cited by Labcorp Genetics (formerly Invitae), Labcorp and Ambry Genetics).

NM_001277115.2(DNAH11):c.11929G>T (p.Glu3977Ter)

Gene: DNAH11 (dynein axonemal heavy chain 11; plus strand). Cytogenetic location: 7p15.3.
Variant type: single nucleotide variant.
Coding change: c.11929G>T on transcript NM_001277115.2 (MANE Select); coding-DNA position 11929, G replaced by T.
Protein change: p.Glu3977Ter; replaces glutamic acid 3977 with a stop codon.
Molecular consequence: nonsense.
Genome position (GRCh38, 1-based): chr7:21,868,953, G>T. VCF-style: chr7-21868953-G-T. GRCh37 (hg19) VCF-style: chr7-21908571-G-T.
Other names: NM_001277115.2(DNAH11):c.11929G>T; p.Glu3977Ter; c.11950G>T, p.Glu3984Ter (NM_003777.3); short protein forms E3984*, E3977*.
Identifiers: ClinVar variation 1745170 (VCV001745170.6), dbSNP rs72658817, ClinGen allele CA4182921.